The following is an entry in ClinVar:

ClinVar aggregate classification (germline): Uncertain significance (1 of 4 stars; one submission).

Submission:

CeGaT Center for Human Genetics Tuebingen
Classification: Uncertain significance. Last evaluated: 2022-11-01. Review status: criteria provided, single submitter. Criteria: CeGaT Center For Human Genetics Tuebingen Variant Classification Criteria Version 2. Collection method: clinical testing. Allele origin: germline. Affected: yes. Observed: 1 variant allele.
Comment: AHDC1: PM2

NM_001371928.1(AHDC1):c.3852G>T (p.Lys1284Asn)

Gene: AHDC1 (AT-hook DNA binding motif containing 1; minus strand). Cytogenetic location: 1p36.11.
Variant type: single nucleotide variant.
Coding change: c.3852G>T on transcript NM_001371928.1 (MANE Select); coding-DNA position 3852, G replaced by T.
Protein change: p.Lys1284Asn; replaces lysine 1284 with asparagine.
Molecular consequence: missense variant.
Genome position (GRCh38, 1-based): chr1:27,548,264, C>A on the plus strand (G>T on the coding strand, the complement: AHDC1 is on the minus strand). VCF-style: chr1-27548264-C-A. GRCh37 (hg19) VCF-style: chr1-27874775-C-A.
Other names: c.3852G>T, p.Lys1284Asn (NM_001029882.3); c.-192G>T (NM_015699.1); short protein forms K1284N.
Identifiers: ClinVar variation 2638566 (VCV002638566.24), dbSNP rs2521839851, ClinGen allele CA339224940.